The following is an entry in ClinVar:

ClinVar aggregate classification (germline): Likely pathogenic (1 of 4 stars; one submission).

Conditions:
Smith-Lemli-Opitz syndrome (SLOS). Also called: LETHAL ACRODYSGENITAL SYNDROME; POLYDACTYLY, SEX REVERSAL, RENAL HYPOPLASIA, AND UNILOBAR LUNG; RSH SYNDROME; RUTLEDGE LETHAL MULTIPLE CONGENITAL ANOMALY SYNDROME; 7-Dehydrocholesterol reductase deficiency. Identifiers: Orphanet 818, MedGen C0175694, MONDO:0010035, OMIM 270400.

Submission:

Labcorp Genetics (formerly Invitae), Labcorp
Classification: Likely pathogenic for Smith-Lemli-Opitz syndrome. Last evaluated: 2020-08-27. Review status: criteria provided, single submitter. Criteria: Invitae Variant Classification Sherloc (09022015). Collection method: clinical testing. Allele origin: germline.
Comment: In summary, the currently available evidence indicates that the variant is pathogenic, but additional data are needed to prove that conclusively. Therefore, this variant has been classified as Likely Pathogenic. This variant disrupts the p.Val466 amino acid residue in DHCR7. Other variant(s) that disrupt this residue have been determined to be pathogenic (PMID: 21990131, 22391996, 23042628, Invitae). This suggests that this residue is clinically significant, and that variants that disrupt this residue are likely to be disease-causing. This variant has not been reported in the literature in individuals with DHCR7-related conditions. This variant is a gross deletion of the genomic region encompassing exon(s) 6-9 of the DHCR7 gene. The 5' boundary is likely confined to intron 5. The 3' end of this event is unknown as it extends through the termination codon beyond the assayed region for this gene and may encompass additional genes. While this deletion is not anticipated to result in nonsense mediated decay, it is expected to create a truncated protein product or disrupt mRNA translation.

Literature cited by the submitters: PubMed 21990131; PubMed 22391996; PubMed 23042628.

NC_000011.9:g.(?_71146411)_(71152496_?)del

Gene: DHCR7 (7-dehydrocholesterol reductase; minus strand). Cytogenetic location: 11q13.4.
Variant type: Deletion.
Identifiers: ClinVar variation 1066937 (VCV001066937.7).